The following is an entry in ClinVar:

NM_000390.4(CHM):c.1245-1G>T

Gene: CHM (CHM Rab escort protein; minus strand). Cytogenetic location: Xq21.2.
Variant type: single nucleotide variant.
Coding change: c.1245-1G>T on transcript NM_000390.4 (MANE Select); the canonical splice acceptor site of the intron before coding-DNA position 1245, G replaced by T.
Molecular consequence: splice acceptor variant.
Genome position (GRCh38, 1-based): chrX:85,901,189, C>A on the plus strand (G>T on the coding strand, the complement: CHM is on the minus strand). VCF-style: chrX-85901189-C-A. GRCh37 (hg19) VCF-style: chrX-85156194-C-A.
Other names: c.801-1G>T (NM_001362519.1, NM_001362517.1, NM_001320959.1 and 1 more transcripts).
Identifiers: ClinVar variation 846144 (VCV000846144.8), dbSNP rs1926267493, ClinGen allele CA413789994.

ClinVar aggregate classification (germline): Pathogenic (1 of 4 stars; one submission).

Submission:

Labcorp Genetics (formerly Invitae), Labcorp
Classification: Pathogenic. Last evaluated: 2024-05-10. Review status: criteria provided, single submitter. Criteria: Invitae Variant Classification Sherloc (09022015). Collection method: clinical testing. Allele origin: germline.
Comment: This sequence change affects an acceptor splice site in intron 9 of the CHM gene. It is expected to disrupt RNA splicing. Variants that disrupt the donor or acceptor splice site typically lead to a loss of protein function (PMID: 16199547), and loss-of-function variants in CHM are known to be pathogenic (PMID: 9067750, 23811034). This variant is not present in population databases (gnomAD no frequency). Disruption of this splice site has been observed in individuals with choroideremia (PMID: 23811034, 30902645). ClinVar contains an entry for this variant (Variation ID: 846144). Algorithms developed to predict the effect of sequence changes on RNA splicing suggest that this variant may disrupt the consensus splice site. For these reasons, this variant has been classified as Pathogenic.

Literature cited by the submitters: PubMed 16199547; PubMed 9067750; PubMed 23811034; PubMed 30902645.